The following is an entry in ClinVar:

NM_005732.4(RAD50):c.3118C>G (p.Gln1040Glu)

Gene: RAD50 (RAD50 double strand break repair protein; plus strand). Cytogenetic location: 5q31.1.
Variant type: single nucleotide variant.
Coding change: c.3118C>G on transcript NM_005732.4 (MANE Select); coding-DNA position 3118, C replaced by G.
Protein change: p.Gln1040Glu; replaces glutamine 1040 with glutamic acid.
Molecular consequence: missense variant.
Genome position (GRCh38, 1-based): chr5:132,616,084, C>G. VCF-style: chr5-132616084-C-G. GRCh37 (hg19) VCF-style: chr5-131951776-C-G.
Other names: short protein forms Q1040E.
Identifiers: ClinVar variation 2767556 (VCV002767556.3), dbSNP rs2479384446, ClinGen allele CA360963725.
Genomic context (GRCh38, chr5:132,616,084, plus strand): 5'-GATAACCTTACTTTAAGAAAAAGAAATGAGGAACTAAAAGAAGTTGAAGAAGAAAGAAAA[C>G]AACATTTGAAGGAAATGGGTCAAATGCAGGTTTTGCAAATGAAAAGGTATGCTTTTAAAA-3'
Protein context (NP_005723.2, residues 1030-1050): ELKEVEEERK[Gln1040Glu]HLKEMGQMQV

ClinVar aggregate classification (germline): Uncertain significance (1 of 4 stars; one submission).

Conditions:
Hereditary cancer-predisposing syndrome. Also called: Hereditary neoplastic syndrome; Neoplastic Syndromes, Hereditary; Hereditary Cancer Syndrome; Tumor predisposition. Identifiers: Orphanet 140162, MedGen C0027672, MeSH D009386, MONDO:0015356.

Submission:

Labcorp Genetics (formerly Invitae), Labcorp
Classification: Uncertain significance for Hereditary cancer-predisposing syndrome. Last evaluated: 2023-10-11. Review status: criteria provided, single submitter. Criteria: Invitae Variant Classification Sherloc (09022015). Collection method: clinical testing. Allele origin: germline.
Comment: This sequence change replaces glutamine, which is neutral and polar, with glutamic acid, which is acidic and polar, at codon 1040 of the RAD50 protein (p.Gln1040Glu). This variant is not present in population databases (gnomAD no frequency). This variant has not been reported in the literature in individuals affected with RAD50-related conditions. Advanced modeling of protein sequence and biophysical properties (such as structural, functional, and spatial information, amino acid conservation, physicochemical variation, residue mobility, and thermodynamic stability) performed at Invitae indicates that this missense variant is not expected to disrupt RAD50 protein function. In summary, the available evidence is currently insufficient to determine the role of this variant in disease. Therefore, it has been classified as a Variant of Uncertain Significance.